The following is an entry in ClinVar:

ClinVar aggregate classification (germline): Benign (0 of 4 stars; one submission).

Conditions:
IRX1-related disorder. Also called: IRX1-related condition.

Allele frequency attached by ClinVar (database versions not stated): 1000 Genomes Project 0.84864; 1000 Genomes Project 30x 0.85119; ExAC 0.88982; gnomAD 0.90510; TOPMed 0.90816; gnomAD exomes 0.91155; ESP Exome Variant Server 0.91823.
gnomAD v4.1: 1,463,804 of 1,607,762 alleles (91%); highest among the groups gnomAD compares: Non-Finnish European, 93%; 668,188 homozygotes.

Submission:

PreventionGenetics, part of Exact Sciences
Classification: Benign for IRX1-related condition. Last evaluated: 2019-10-17. Review status: no assertion criteria provided. Collection method: clinical testing. Allele origin: germline.
Comment: This variant is classified as benign based on ACMG/AMP sequence variant interpretation guidelines (Richards et al. 2015 PMID: 25741868, with internal and published modifications).

NM_024337.4(IRX1):c.1272T>C (p.Asn424=)

Gene: IRX1 (iroquois homeobox 1; plus strand). Cytogenetic location: 5p15.33.
Variant type: single nucleotide variant.
Coding change: c.1272T>C on transcript NM_024337.4 (MANE Select); coding-DNA position 1272, T replaced by C.
Protein change: p.Asn424=; no amino-acid change (asparagine 424 retained).
Molecular consequence: synonymous variant.
Genome position (GRCh38, 1-based): chr5:3,600,220, T>C. VCF-style: chr5-3600220-T-C. GRCh37 (hg19) VCF-style: chr5-3600334-T-C.
Identifiers: ClinVar variation 3059417 (VCV003059417.2), dbSNP rs844154, ClinGen allele CA3189043.